The following is an entry in ClinVar:

NM_013382.7(POMT2):c.1382G>A (p.Arg461Lys)

Gene: POMT2 (protein O-mannosyltransferase 2; minus strand). Cytogenetic location: 14q24.3.
Variant type: single nucleotide variant.
Coding change: c.1382G>A on transcript NM_013382.7 (MANE Select); coding-DNA position 1382, G replaced by A.
Protein change: p.Arg461Lys; replaces arginine 461 with lysine.
Molecular consequence: missense variant.
Genome position (GRCh38, 1-based): chr14:77,285,583, C>T on the plus strand (G>A on the coding strand, the complement: POMT2 is on the minus strand). VCF-style: chr14-77285583-C-T. GRCh37 (hg19) VCF-style: chr14-77751926-C-T.
Other names: short protein forms R461K.
Identifiers: ClinVar variation 950744 (VCV000950744.4), dbSNP rs1030338170, ClinGen allele CA263823611.

ClinVar aggregate classification (germline): Uncertain significance (1 of 4 stars; one submission).

Conditions:
Muscular dystrophy-dystroglycanopathy (congenital with brain and eye anomalies), type A2. Also called: MUSCULAR DYSTROPHY-DYSTROGLYCANOPATHY (CONGENITAL WITH BRAIN AND EYE ANOMALIES), TYPE A, 2; WALKER-WARBURG SYNDROME OR MUSCLE-EYE-BRAIN DISEASE, POMT2-RELATED. Identifiers: Orphanet 588, Orphanet 899, MedGen C3150411, MONDO:0013154, OMIM 613150.
Muscular dystrophy-dystroglycanopathy (congenital with impaired intellectual development), type B, 2. Also called: Muscular dystrophy-dystroglycanopathy (congenital with intellectual disability), type B2; MUSCULAR DYSTROPHY, CONGENITAL, POMT2-RELATED. Identifiers: MedGen C3150416, MONDO:0013160, OMIM 613156.
Autosomal recessive limb-girdle muscular dystrophy type 2N. Also called: Muscular dystrophy-dystroglycanopathy (limb-girdle), type C, 2; MUSCULAR DYSTROPHY-DYSTROGLYCANOPATHY, LIMB-GIRDLE, POMT2-RELATED. Identifiers: Orphanet 206559, MedGen C3150418, MONDO:0013162, OMIM 613158.

Allele frequency attached by ClinVar (database versions not stated): gnomAD exomes below 0.00001; TOPMed below 0.00001.
gnomAD v4.1: 2 of 1,613,670 alleles (0.00012%); highest among the groups gnomAD compares: Admixed American, 0.0017%; no homozygotes.

Submission:

Labcorp Genetics (formerly Invitae), Labcorp
Classification: Uncertain significance for Muscular dystrophy-dystroglycanopathy (congenital with impaired intellectual development), type B, 2; Muscular dystrophy-dystroglycanopathy (congenital with brain and eye anomalies), type A2; Autosomal recessive limb-girdle muscular dystrophy type 2N. Last evaluated: 2022-08-01. Review status: criteria provided, single submitter. Criteria: Invitae Variant Classification Sherloc (09022015). Collection method: clinical testing. Allele origin: germline.
Comment: This sequence change replaces arginine, which is basic and polar, with lysine, which is basic and polar, at codon 461 of the POMT2 protein (p.Arg461Lys). This variant is present in population databases (no rsID available, gnomAD 0.003%). This variant has not been reported in the literature in individuals affected with POMT2-related conditions. ClinVar contains an entry for this variant (Variation ID: 950744). Experimental studies and prediction algorithms are not available or were not evaluated, and the functional significance of this variant is currently unknown. In summary, the available evidence is currently insufficient to determine the role of this variant in disease. Therefore, it has been classified as a Variant of Uncertain Significance.